The following is an entry in ClinVar:

NM_022765.4(MICAL1):c.160C>G (p.Gln54Glu)

Gene: MICAL1 (microtubule associated monooxygenase, calponin and LIM domain containing 1; minus strand). Cytogenetic location: 6q21.
Variant type: single nucleotide variant.
Coding change: c.160C>G on transcript NM_022765.4 (MANE Select); coding-DNA position 160, C replaced by G.
Protein change: p.Gln54Glu; replaces glutamine 54 with glutamic acid.
Molecular consequence: missense variant.
Genome position (GRCh38, 1-based): chr6:109,454,037, G>C on the plus strand (C>G on the coding strand, the complement: MICAL1 is on the minus strand). VCF-style: chr6-109454037-G-C. GRCh37 (hg19) VCF-style: chr6-109775240-G-C.
Other names: c.160C>G, p.Gln54Glu (NM_001159291.2); c.217C>G, p.Gln73Glu (NM_001286613.2); short protein forms Q54E, Q73E.
Identifiers: ClinVar variation 3608830 (VCV003608830.2).

ClinVar aggregate classification (germline): Uncertain significance (1 of 4 stars; one submission).

gnomAD v4.1: 4 of 1,614,188 alleles (0.00025%); highest among the groups gnomAD compares: Admixed American, 0.0067%; no homozygotes.

Submission:

Labcorp Genetics (formerly Invitae), Labcorp
Classification: Uncertain significance. Last evaluated: 2024-09-30. Review status: criteria provided, single submitter. Criteria: Invitae Variant Classification Sherloc (09022015). Collection method: clinical testing. Allele origin: germline.
Comment: This sequence change replaces glutamine, which is neutral and polar, with glutamic acid, which is acidic and polar, at codon 73 of the MICAL1 protein (p.Gln73Glu). This variant is present in population databases (no rsID available, gnomAD 0.009%). This variant has not been reported in the literature in individuals affected with MICAL1-related conditions. An algorithm developed to predict the effect of missense changes on protein structure and function outputs the following: PolyPhen-2: "Benign". The glutamic acid amino acid residue is found in multiple mammalian species, which suggests that this missense change does not adversely affect protein function. In summary, the available evidence is currently insufficient to determine the role of this variant in disease. Therefore, it has been classified as a Variant of Uncertain Significance.